The following is an entry in ClinVar:

NM_024422.6(DSC2):c.1255G>A (p.Val419Ile)

Gene: DSC2 (desmocollin 2; minus strand). Cytogenetic location: 18q12.1.
Variant type: single nucleotide variant.
Coding change: c.1255G>A on transcript NM_024422.6 (MANE Select); coding-DNA position 1255, G replaced by A.
Protein change: p.Val419Ile; replaces valine 419 with isoleucine.
Molecular consequence: missense variant.
Genome position (GRCh38, 1-based): chr18:31,082,246, C>T on the plus strand (G>A on the coding strand, the complement: DSC2 is on the minus strand). VCF-style: chr18-31082246-C-T. GRCh37 (hg19) VCF-style: chr18-28662212-C-T.
Other names: c.826G>A, p.Val276Ile (NM_001406506.1, NM_001406507.1); c.1255G>A, p.Val419Ile (NM_004949.5); short protein forms V276I, V419I.
Identifiers: ClinVar variation 2130002 (VCV002130002.4), dbSNP rs2510948227, ClinGen allele CA402109459.

ClinVar aggregate classification (germline): Uncertain significance (1 of 4 stars; one submission).

Conditions:
Arrhythmogenic right ventricular dysplasia 11. Also called: Arrhythmogenic right ventricular dysplasia 11 with mild palmoplantar keratoderma and woolly hair; Arrhythmogenic Right Ventricular Dysplasia/Cardiomyopathy11; ARRHYTHMOGENIC RIGHT VENTRICULAR DYSPLASIA, FAMILIAL, 11. Identifiers: MedGen C1864850, MONDO:0012506, OMIM 610476.

Submission:

Labcorp Genetics (formerly Invitae), Labcorp
Classification: Uncertain significance for Arrhythmogenic right ventricular dysplasia 11. Last evaluated: 2022-04-24. Review status: criteria provided, single submitter. Criteria: Invitae Variant Classification Sherloc (09022015). Collection method: clinical testing. Allele origin: germline.
Comment: This sequence change replaces valine, which is neutral and non-polar, with isoleucine, which is neutral and non-polar, at codon 419 of the DSC2 protein (p.Val419Ile). This variant is not present in population databases (gnomAD no frequency). This variant has not been reported in the literature in individuals affected with DSC2-related conditions. Algorithms developed to predict the effect of missense changes on protein structure and function are either unavailable or do not agree on the potential impact of this missense change (SIFT: "Deleterious"; PolyPhen-2: "Benign"; Align-GVGD: "Class C25"). In summary, the available evidence is currently insufficient to determine the role of this variant in disease. Therefore, it has been classified as a Variant of Uncertain Significance.